The following is an entry in ClinVar:

ClinVar aggregate classification (germline): Uncertain significance (1 of 4 stars; one submission).

Conditions:
MAGEL2-related disorder. Also called: MAGEL2-related condition.

gnomAD v4.1: 3 of 1,613,764 alleles (0.00019%); highest among the groups gnomAD compares: African/African-American, 0.004%; no homozygotes.

Submission:

PreventionGenetics, part of Exact Sciences
Classification: Uncertain significance for MAGEL2-related condition. Last evaluated: 2025-10-10. Review status: criteria provided, single submitter. Criteria: ACMG Guidelines, 2015. Collection method: clinical testing. Allele origin: germline.
Comment: The MAGEL2 c.3672G>C variant is predicted to result in the amino acid substitution p.Glu1224Asp. To our knowledge, this variant has not been reported in the literature. This variant is reported in 0.0065% of alleles in individuals of African descent in gnomAD. At this time, the clinical significance of this variant is uncertain due to the absence of conclusive functional and genetic evidence.

NM_019066.5(MAGEL2):c.3672G>C (p.Glu1224Asp)

Gene: MAGEL2 (MAGE family member L2; minus strand). Cytogenetic location: 15q11.2.
Variant type: single nucleotide variant.
Coding change: c.3672G>C on transcript NM_019066.5 (MANE Select); coding-DNA position 3672, G replaced by C.
Protein change: p.Glu1224Asp; replaces glutamic acid 1224 with aspartic acid.
Molecular consequence: missense variant.
Genome position (GRCh38, 1-based): chr15:23,644,071, C>G on the plus strand (G>C on the coding strand, the complement: MAGEL2 is on the minus strand). VCF-style: chr15-23644071-C-G. GRCh37 (hg19) VCF-style: chr15-23889218-C-G.
Other names: short protein forms E1224D.
Identifiers: ClinVar variation 4984066 (VCV004984066.1).